The following is an entry in ClinVar:

ClinVar aggregate classification (germline): Uncertain significance (1 of 4 stars; one submission).

Conditions:
Catecholaminergic polymorphic ventricular tachycardia 1. Also called: RYR2-Related Catecholaminergic Polymorphic Ventricular Tachycardia; VENTRICULAR TACHYCARDIA, STRESS-INDUCED POLYMORPHIC 1; VENTRICULAR TACHYCARDIA, CATECHOLAMINERGIC POLYMORPHIC, 1, WITH OR WITHOUT ATRIAL DYSFUNCTION AND/OR DILATED CARDIOMYOPATHY. Identifiers: Orphanet 3286, MedGen C1631597, MONDO:0011484, OMIM 604772.

Submission:

Labcorp Genetics (formerly Invitae), Labcorp
Classification: Uncertain significance for Catecholaminergic polymorphic ventricular tachycardia 1. Last evaluated: 2020-02-28. Review status: criteria provided, single submitter. Criteria: Invitae Variant Classification Sherloc (09022015). Collection method: clinical testing. Allele origin: germline.
Comment: This sequence change replaces glutamic acid with lysine at codon 4427 of the RYR2 protein (p.Glu4427Lys). The glutamic acid residue is moderately conserved and there is a small physicochemical difference between glutamic acid and lysine. This variant is not present in population databases (ExAC no frequency). This variant has not been reported in the literature in individuals with RYR2-related conditions. Algorithms developed to predict the effect of missense changes on protein structure and function are either unavailable or do not agree on the potential impact of this missense change (SIFT: "Deleterious"; PolyPhen-2: "Benign"; Align-GVGD: "Class C0"). In summary, the available evidence is currently insufficient to determine the role of this variant in disease. Therefore, it has been classified as a Variant of Uncertain Significance.

NM_001035.3(RYR2):c.13279G>A (p.Glu4427Lys)

Gene: RYR2 (ryanodine receptor 2; plus strand). Cytogenetic location: 1q43.
Variant type: single nucleotide variant.
Coding change: c.13279G>A on transcript NM_001035.3 (MANE Select); coding-DNA position 13279, G replaced by A.
Protein change: p.Glu4427Lys; replaces glutamic acid 4427 with lysine.
Molecular consequence: missense variant.
Genome position (GRCh38, 1-based): chr1:237,785,987, G>A. VCF-style: chr1-237785987-G-A. GRCh37 (hg19) VCF-style: chr1-237949287-G-A.
Other names: short protein forms E4427K.
Identifiers: ClinVar variation 1036941 (VCV001036941.10), dbSNP rs1695516581, ClinGen allele CA345415832.